The following is an entry in ClinVar:

NM_001943.5(DSG2):c.1015-7C>G

Gene: DSG2 (desmoglein 2; plus strand). Cytogenetic location: 18q12.1.
Variant type: single nucleotide variant.
Coding change: c.1015-7C>G on transcript NM_001943.5 (MANE Select); 7 bases into the intron before coding-DNA position 1015, C replaced by G.
Molecular consequence: intron variant.
Genome position (GRCh38, 1-based): chr18:31,530,980, C>G. VCF-style: chr18-31530980-C-G. GRCh37 (hg19) VCF-style: chr18-29110943-C-G.
Identifiers: ClinVar variation 1171822 (VCV001171822.3), dbSNP rs2073193503, ClinGen allele CA2293859734.
Genomic context (GRCh38, chr18:31,530,980, plus strand): 5'-ATATGTATATGTATACATGTCTTCTGTTTTCTCTTTGAAAAGAATTCCCTTTGGTTTTCC[C>G]TTTCAGGAAGTAGATTATGAAGAAATGAAGAATCTTGACTTCAGTGTTATTGTCGCTAAT-3'

ClinVar aggregate classification (germline): Conflicting classifications of pathogenicity. Review status: criteria provided, conflicting classifications (1 of 4 stars). 2 submissions from 2 submitters: Uncertain significance (1); Likely benign (1). Last evaluated 2025-10-21.

Conditions:
Cardiomyopathy (CMYO). Also called: Cardiomyopathies. Identifiers: Orphanet 167848, MedGen C0878544, MONDO:0004994, HP:0001638. Inheritance: Various modes of inheritance.
Arrhythmogenic right ventricular dysplasia 10. Also called: Arrhythmogenic Right Ventricular Dysplasia/Cardiomyopathy10; Arrhythmogenic right ventricular dysplasia/cardiomyopathy, type 10; ARRHYTHMOGENIC RIGHT VENTRICULAR DYSPLASIA, FAMILIAL, 10. Identifiers: MedGen C1857777, MONDO:0012434, OMIM 610193.

gnomAD v4.1: 2 of 1,613,592 alleles (0.00012%); highest among the groups gnomAD compares: Non-Finnish European, 0.00017%; no homozygotes.

Submissions (2):

Labcorp Genetics (formerly Invitae), Labcorp
Classification: Likely benign for Arrhythmogenic right ventricular dysplasia 10. Last evaluated: 2025-10-21. Review status: criteria provided, single submitter. Criteria: Invitae Variant Classification Sherloc (09022015). Collection method: clinical testing. Allele origin: germline.

Color Diagnostics, LLC DBA Color Health
Classification: Uncertain significance for Cardiomyopathy. Last evaluated: 2020-12-21. Review status: criteria provided, single submitter. Criteria: ACMG Guidelines, 2015. Collection method: clinical testing. Allele origin: germline.
Comment: This variant causes a C to G nucleotide substitution at the -7 position of intron 8 of the DSG2 gene. Splice prediction tools and conservation analysis are inconclusive regarding the impact of this variant on RNA splicing. To our knowledge, functional studies have not been reported for this variant. This variant has not been reported in individuals affected with cardiovascular disorders in the literature. This variant has not been identified in the general population by the Genome Aggregation Database (gnomAD). The available evidence is insufficient to determine the role of this variant in disease conclusively. Therefore, this variant is classified as a Variant of Uncertain Significance.